The following is an entry in ClinVar:

NM_004360.5(CDH1):c.1168A>G (p.Asn390Asp)

Gene: CDH1 (cadherin 1; plus strand). Cytogenetic location: 16q22.1.
Variant type: single nucleotide variant.
Coding change: c.1168A>G on transcript NM_004360.5 (MANE Select); coding-DNA position 1168, A replaced by G.
Protein change: p.Asn390Asp; replaces asparagine 390 with aspartic acid.
Molecular consequence: missense variant. On other transcripts: 5 prime UTR variant (2), intron variant (1).
Genome position (GRCh38, 1-based): chr16:68,813,343, A>G. VCF-style: chr16-68813343-A-G. GRCh37 (hg19) VCF-style: chr16-68847246-A-G.
Other names: c.-448A>G (NM_001317185.2); c.-652A>G (NM_001317186.2); c.1137+1080A>G (NM_001317184.2); c.1168A>G (LRG_301t1); short protein forms N390D.
Identifiers: ClinVar variation 463701 (VCV000463701.17), dbSNP rs1555515870, ClinGen allele CA396461134.

ClinVar aggregate classification (germline): Conflicting classifications of pathogenicity. Review status: criteria provided, conflicting classifications (1 of 4 stars). 3 submissions from 3 submitters: Uncertain significance (2); Likely benign (1). Last evaluated 2026-09-07.

Conditions:
Hereditary diffuse gastric adenocarcinoma (HDGC). Also called: DIFFUSE GASTRIC AND LOBULAR BREAST CANCER SYNDROME. Identifiers: Orphanet 26106, MedGen C1708349, MONDO:0007648, OMIM 137215.
CDH1-related diffuse gastric and lobular breast cancer syndrome. Also called: CDH1-related diffuse gastric and lobular breast cancer. Identifiers: MedGen CN311521, MONDO:0100488.
Hereditary cancer-predisposing syndrome. Also called: Tumor predisposition; Hereditary Cancer Syndrome; Hereditary neoplastic syndrome; Neoplastic Syndromes, Hereditary. Identifiers: Orphanet 140162, MedGen C0027672, MeSH D009386, MONDO:0015356.

Allele frequency attached by ClinVar (database versions not stated): gnomAD exomes below 0.00001.
gnomAD v4.1: 2 of 1,614,184 alleles (0.00012%); highest among the groups gnomAD compares: Admixed American, 0.0033%; no homozygotes.

Submissions (3):

Hema, HEMA – Genetic and Molecular Diagnostic Laboratory
Classification: Uncertain significance for CDH1-related diffuse gastric and lobular breast cancer syndrome. Last evaluated: 2026-09-07. Review status: criteria provided, single submitter. Criteria: HEMA Variant Classification Assertion Criteria. Collection method: clinical testing. Allele origin: germline.
Comment: The c.1168A>G p.(Asn390Asp) variant is a transition from adenine to guanine, resulting in the substitution of asparagine 390 with aspartic acid. According to the recommendations of the ClinGen CDH1 Variant Curation Expert Panel, it is not possible to apply any ACMG criteria, and thus this variant is classified as a variant of uncertain significance.

Labcorp Genetics (formerly Invitae), Labcorp
Classification: Uncertain significance for Hereditary diffuse gastric adenocarcinoma. Last evaluated: 2025-07-31. Review status: criteria provided, single submitter. Criteria: Invitae Variant Classification Sherloc (09022015). Collection method: clinical testing. Allele origin: germline.
Comment: This sequence change replaces asparagine, which is neutral and polar, with aspartic acid, which is acidic and polar, at codon 390 of the CDH1 protein (p.Asn390Asp). This variant is not present in population databases (gnomAD no frequency). This variant has not been reported in the literature in individuals affected with CDH1-related conditions. ClinVar contains an entry for this variant (Variation ID: 463701). An algorithm developed to predict the effect of missense changes on protein structure and function outputs the following: PolyPhen-2: "Benign". The aspartic acid amino acid residue is found in multiple mammalian species, which suggests that this missense change does not adversely affect protein function. In summary, the available evidence is currently insufficient to determine the role of this variant in disease. Therefore, it has been classified as a Variant of Uncertain Significance.

Ambry Genetics
Classification: Likely benign for Hereditary cancer-predisposing syndrome. Last evaluated: 2018-03-21. Review status: criteria provided, single submitter. Criteria: Ambry Variant Classification Scheme 2023. Collection method: clinical testing. Allele origin: germline.